The following is an entry in ClinVar:

NM_152617.4(RNF168):c.891del (p.Met298fs)

Gene: RNF168 (ring finger protein 168; minus strand). Cytogenetic location: 3q29.
Variant type: Deletion.
Coding change: c.891del on transcript NM_152617.4 (MANE Select); coding-DNA position 891, one base deleted (T; older notation c.891delT).
Protein change: p.Met298fs; shifts the reading frame from methionine 298.
Molecular consequence: frameshift variant.
Genome position (GRCh38, 1-based): chr3:196,472,644, A deleted on the plus strand (T on the coding strand, the reverse complement: RNF168 is on the minus strand). VCF-style (leftmost placement, unchanged base first): chr3-196472643-TA-T. GRCh37 (hg19) VCF-style: chr3-196199514-TA-T.
Other names: short protein forms M298fs.
Identifiers: ClinVar variation 4707102 (VCV004707102.1).

ClinVar aggregate classification (germline): Pathogenic (1 of 4 stars; one submission).

Submission:

Labcorp Genetics (formerly Invitae), Labcorp
Classification: Pathogenic. Last evaluated: 2026-01-14. Review status: criteria provided, single submitter. Criteria: Invitae Variant Classification Sherloc (09022015). Collection method: clinical testing. Allele origin: germline.
Comment: This sequence change creates a premature translational stop signal (p.Met298Cysfs*31) in the RNF168 gene. While this is not anticipated to result in nonsense mediated decay, it is expected to disrupt the last 274 amino acid(s) of the RNF168 protein. This variant is present in population databases (rs765679327, gnomAD 0.004%). This variant has not been reported in the literature in individuals affected with RNF168-related conditions. Experimental studies and prediction algorithms are not available or were not evaluated, and the functional significance of this variant is currently unknown. This variant disrupts a region of the RNF168 protein in which other variant(s) (p.Gln442Lysfs*45) have been determined to be pathogenic (PMID: 17940005, 19203578). This suggests that this is a clinically significant region of the protein, and that variants that disrupt it are likely to be disease-causing. For these reasons, this variant has been classified as Pathogenic.

Literature cited by the submitters: PubMed 17940005; PubMed 19203578.